The following is an entry in ClinVar:

ClinVar aggregate classification (germline): Conflicting classifications of pathogenicity. Review status: criteria provided, conflicting classifications (1 of 4 stars). 2 submissions from 2 submitters: Uncertain significance (1); Likely benign (1). Last evaluated 2023-03-23.

Conditions:
Hereditary cancer-predisposing syndrome. Also called: Neoplastic Syndromes, Hereditary; Hereditary Cancer Syndrome; Hereditary neoplastic syndrome; Tumor predisposition. Identifiers: Orphanet 140162, MedGen C0027672, MeSH D009386, MONDO:0015356.
Hereditary breast ovarian cancer syndrome. Also called: Hereditary breast and ovarian cancer syndrome (HBOC); Hereditary breast and ovarian cancer syndrome; Breast and ovarian cancer; Hereditary breast and/or ovarian cancer syndrome; Hereditary breast and ovarian cancer; BRCA1- and BRCA2-Associated Hereditary Breast and Ovarian Cancer. Identifiers: Orphanet 145, MedGen C0677776, MeSH D061325, MONDO:0003582. Disease mechanism: loss of function.

Allele frequency attached by ClinVar (database versions not stated): gnomAD exomes below 0.00001.
gnomAD v4.1: 1 of 1,611,782 alleles (0.000062%); highest among the groups gnomAD compares: East Asian, 0.0022%; no homozygotes.

Submissions (2):

University of Washington Department of Laboratory Medicine, University of Washington
Classification: Likely benign for Hereditary cancer-predisposing syndrome. Last evaluated: 2023-03-23. Review status: criteria provided, single submitter. Criteria: Dines et al. (Genet Med. 2020). Collection method: curation. Allele origin: germline.
Comment: Missense variant in a coldspot region where missense variants are very unlikely to be pathogenic (PMID:31911673).

BRCA2 exon 10 coldspot. Reclassification based on statistical prior probability.

Labcorp Genetics (formerly Invitae), Labcorp
Classification: Uncertain significance for Hereditary breast ovarian cancer syndrome. Last evaluated: 2017-02-19. Review status: criteria provided, single submitter. Criteria: Invitae Variant Classification Sherloc (09022015). Collection method: clinical testing. Allele origin: germline.
Comment: In summary, this variant is a novel missense change that is not predicted to affect protein function. There is no indication that it causes disease, but the available evidence is currently insufficient to prove that conclusively. Therefore, it has been classified as a Variant of Uncertain Significance. This sequence change replaces valine with alanine at codon 464 of the BRCA2 protein (p.Val464Ala). The valine residue is weakly conserved and there is a small physicochemical difference between valine and alanine. This variant is not present in population databases (ExAC no frequency) and has not been reported in the literature in individuals with a BRCA2-related disease. Algorithms developed to predict the effect of missense changes on protein structure and function output the following: (SIFT: "Tolerated"; PolyPhen-2: "Benign"; Align-GVGD: "Class C0"). The alanine amino acid residue is found in multiple mammalian species, suggesting that this missense change does not adversely affect protein function. These predictions have not been confirmed by published functional studies.

NM_000059.4(BRCA2):c.1391T>C (p.Val464Ala)

Gene: BRCA2 (BRCA2 DNA repair associated; plus strand). Cytogenetic location: 13q13.1.
Variant type: single nucleotide variant.
Coding change: c.1391T>C on transcript NM_000059.4 (MANE Select); coding-DNA position 1391, T replaced by C.
Protein change: p.Val464Ala; replaces valine 464 with alanine.
Molecular consequence: missense variant.
Genome position (GRCh38, 1-based): chr13:32,332,869, T>C. VCF-style: chr13-32332869-T-C. GRCh37 (hg19) VCF-style: chr13-32907006-T-C.
Other names: short protein forms V464A.
Identifiers: ClinVar variation 462232 (VCV000462232.10), dbSNP rs1372510250, ClinGen allele CA387764116.
Genomic context (GRCh38, chr13:32,332,869, plus strand): 5'-ATTCTTTGCCACGTATTTCTAGCCTACCAAAATCAGAGAAGCCATTAAATGAGGAAACAG[T>C]GGTAAATAAGAGAGATGAAGAGCAGCATCTTGAATCTCATACAGACTGCATTCTTGCAGT-3'
Protein context (NP_000050.3, residues 454-474): KSEKPLNEET[Val464Ala]VNKRDEEQHL